The following is an entry in ClinVar:

ClinVar aggregate classification (germline): Uncertain significance (1 of 4 stars; one submission).

Allele frequency attached by ClinVar (database versions not stated): gnomAD 0.00002; TOPMed 0.00002.
gnomAD v4.1: 4 of 1,613,876 alleles (0.00025%); highest among the groups gnomAD compares: Non-Finnish European, 0.00034%; no homozygotes.

Submission:

Labcorp Genetics (formerly Invitae), Labcorp
Classification: Uncertain significance. Last evaluated: 2022-06-05. Review status: criteria provided, single submitter. Criteria: Invitae Variant Classification Sherloc (09022015). Collection method: clinical testing. Allele origin: germline.
Comment: This sequence change replaces glutamic acid, which is acidic and polar, with alanine, which is neutral and non-polar, at codon 1683 of the PCLO protein (p.Glu1683Ala). This variant is not present in population databases (gnomAD no frequency). This variant has not been reported in the literature in individuals affected with PCLO-related conditions. ClinVar contains an entry for this variant (Variation ID: 1465538). Algorithms developed to predict the effect of missense changes on protein structure and function are either unavailable or do not agree on the potential impact of this missense change (SIFT: "Deleterious"; PolyPhen-2: "Not Available"; Align-GVGD: "Class C0"). In summary, the available evidence is currently insufficient to determine the role of this variant in disease. Therefore, it has been classified as a Variant of Uncertain Significance.

NM_033026.6(PCLO):c.5048A>C (p.Glu1683Ala)

Gene: PCLO (piccolo presynaptic cytomatrix protein; minus strand). Cytogenetic location: 7q21.11.
Variant type: single nucleotide variant.
Coding change: c.5048A>C on transcript NM_033026.6 (MANE Select); coding-DNA position 5048, A replaced by C.
Protein change: p.Glu1683Ala; replaces glutamic acid 1683 with alanine.
Molecular consequence: missense variant.
Genome position (GRCh38, 1-based): chr7:82,955,905, T>G on the plus strand (A>C on the coding strand, the complement: PCLO is on the minus strand). VCF-style: chr7-82955905-T-G. GRCh37 (hg19) VCF-style: chr7-82585221-T-G.
Other names: c.5048A>C, p.Glu1683Ala (NM_014510.3); short protein forms E1683A.
Identifiers: ClinVar variation 1465538 (VCV001465538.6), dbSNP rs1426237793, ClinGen allele CA367925301.